The following is an entry in ClinVar:

NM_183050.4(BCKDHB):c.21dup (p.Ala8fs)

Gene: BCKDHB (branched chain keto acid dehydrogenase E1 subunit beta; plus strand). Cytogenetic location: 6q14.1.
Variant type: Duplication.
Coding change: c.21dup on transcript NM_183050.4 (MANE Select); coding-DNA position 21, one base duplicated (T; older notation c.21dupT).
Protein change: p.Ala8fs; shifts the reading frame from alanine 8.
Molecular consequence: frameshift variant. On other transcripts: non-coding transcript variant (1), intron variant (1).
Genome position (GRCh38, 1-based): chr6:80,106,714, T duplicated. VCF-style (leftmost placement, unchanged base first): chr6-80106713-C-CT. GRCh37 (hg19) VCF-style: chr6-80816430-C-CT.
Other names: c.21dup, p.Ala8fs (NM_000056.5); c.-15+31dup (NM_001318975.1); short protein forms A8fs.
Identifiers: ClinVar variation 1452370 (VCV001452370.7), dbSNP rs2127698713, ClinGen allele CA2573141306.

ClinVar aggregate classification (germline): Pathogenic/Likely pathogenic. Review status: criteria provided, multiple submitters, no conflicts (2 of 4 stars). 2 submissions from 2 submitters: Pathogenic (1); Likely pathogenic (1). Last evaluated 2024-01-29.

Conditions:
Maple syrup urine disease type 1B (MSUD1B). Also called: MSUD type IB; MSUD type 3 (formerly); MSUD due to deficiency of e1-beta subunit of branched-chain alpha-keto acid dehydrogenase complex. Identifiers: MedGen C2930990, MONDO:0023692, OMIM 620698.
Maple syrup urine disease (MSUD). Identifiers: Orphanet 511, MedGen C0024776, MeSH D008375, MONDO:0009563. Disease mechanism: loss of function.

Allele frequency attached by ClinVar (database versions not stated): gnomAD exomes below 0.00001.

Submissions (2):

Fulgent Genetics
Classification: Likely pathogenic for Maple syrup urine disease type 1B. Last evaluated: 2024-01-29. Review status: criteria provided, single submitter. Criteria: ACMG Guidelines, 2015. Collection method: clinical testing. Allele origin: germline.

Labcorp Genetics (formerly Invitae), Labcorp
Classification: Pathogenic for Maple syrup urine disease. Last evaluated: 2021-07-03. Review status: criteria provided, single submitter. Criteria: Invitae Variant Classification Sherloc (09022015). Collection method: clinical testing. Allele origin: germline.
Comment: This sequence change creates a premature translational stop signal (p.Ala8Cysfs*13) in the BCKDHB gene. It is expected to result in an absent or disrupted protein product. Loss-of-function variants in BCKDHB are known to be pathogenic (PMID: 16786533, 22593002). The frequency data for this variant in the population databases is considered unreliable, as metrics indicate insufficient coverage at this position in the ExAC database. This variant has not been reported in the literature in individuals affected with BCKDHB-related conditions. For these reasons, this variant has been classified as Pathogenic.

Literature cited by the submitters: PubMed 16786533 (cited by Labcorp Genetics (formerly Invitae), Labcorp); PubMed 22593002 (cited by Labcorp Genetics (formerly Invitae), Labcorp).